The following is an entry in ClinVar:

NM_000395.3(CSF2RB):c.1569-13T>G

Gene: CSF2RB (colony stimulating factor 2 receptor subunit beta; plus strand). Cytogenetic location: 22q12.3.
Variant type: single nucleotide variant.
Coding change: c.1569-13T>G on transcript NM_000395.3 (MANE Select); 13 bases into the intron before coding-DNA position 1569, T replaced by G.
Molecular consequence: intron variant.
Genome position (GRCh38, 1-based): chr22:36,937,364, T>G. VCF-style: chr22-36937364-T-G. GRCh37 (hg19) VCF-style: chr22-37333406-T-G.
Identifiers: ClinVar variation 226547 (VCV000226547.18), dbSNP rs16997510, ClinGen allele CA10213935.

ClinVar aggregate classification (germline): Benign/Likely benign. Review status: criteria provided, multiple submitters, no conflicts (2 of 4 stars). 5 submissions from 5 submitters: Benign (4); Likely benign (1). Last evaluated 2026-02-03.

Allele frequency attached by ClinVar (database versions not stated): gnomAD exomes 0.03204 and 0.04176; ExAC 0.04583; gnomAD 0.06359 and 0.06392; TOPMed 0.06805; ESP Exome Variant Server 0.06874; 1000 Genomes Project 0.07488; 1000 Genomes Project 30x 0.07823.
gnomAD v4.1: 56,845 of 1,611,906 alleles (3.5%); highest among the groups gnomAD compares: African/African-American, 16%; 2,083 homozygotes.

Submissions (27):

Labcorp Genetics (formerly Invitae), Labcorp
Classification: Benign. Last evaluated: 2026-02-03. Review status: criteria provided, single submitter. Criteria: Invitae Variant Classification Sherloc (09022015). Collection method: clinical testing. Allele origin: germline.

Blueprint Genetics
Classification: Likely benign. Last evaluated: 2024-11-28. Review status: criteria provided, single submitter. Criteria: ACMG Guidelines, 2015. Collection method: clinical testing. Allele origin: germline.

GeneDx
Classification: Benign. Last evaluated: 2019-01-31. Review status: criteria provided, single submitter. Criteria: GeneDx Variant Classification Process June 2021. Collection method: clinical testing. Allele origin: germline. Affected: yes.

Laboratory for Molecular Medicine, Mass General Brigham Personalized Medicine
Classification: Benign. Last evaluated: 2014-11-24. Review status: criteria provided, single submitter. Criteria: LMM Criteria. Collection method: clinical testing. Allele origin: germline. Observed: 6 variant alleles.
Comment: 1569-13T>G in intron 13 of CSF2RB: This variant is not expected to have clinical significance because it has been identified in 15.7% (690/4406) of African Amer ican chromosomes from a broad population by the NHLBI Exome Sequencing Project (dbSNP rs16997510).

Breakthrough Genomics
Classification: Benign. Review status: criteria provided, single submitter. Criteria: ACMG Guidelines, 2015. Collection method: not provided. Allele origin: germline. Inheritance: Autosomal recessive inheritance. Affected: yes.

Dr. Peter K. Rogan Lab, Western University
No classification provided (evidence only). Condition: Acute myeloid leukemia. Review status: no classification provided. Collection method: in vitro. Allele origin: not applicable. Functional consequence: retained intron. Not counted in ClinVar's aggregate classification.

Dr. Peter K. Rogan Lab, Western University
No classification provided (evidence only). Condition: Acute myeloid leukemia. Review status: no classification provided. Collection method: in vitro. Allele origin: not applicable. Functional consequence: retained intron. Not counted in ClinVar's aggregate classification.

Dr. Peter K. Rogan Lab, Western University
No classification provided (evidence only). Condition: Acute myeloid leukemia. Review status: no classification provided. Collection method: in vitro. Allele origin: not applicable. Functional consequence: retained intron. Not counted in ClinVar's aggregate classification.

Dr. Peter K. Rogan Lab, Western University
No classification provided (evidence only). Condition: Acute myeloid leukemia. Review status: no classification provided. Collection method: in vitro. Allele origin: not applicable. Functional consequence: retained intron. Not counted in ClinVar's aggregate classification.

Dr. Peter K. Rogan Lab, Western University
No classification provided (evidence only). Condition: Acute myeloid leukemia. Review status: no classification provided. Collection method: in vitro. Allele origin: not applicable. Functional consequence: retained intron. Not counted in ClinVar's aggregate classification.

Dr. Peter K. Rogan Lab, Western University
No classification provided (evidence only). Condition: Acute myeloid leukemia. Review status: no classification provided. Collection method: in vitro. Allele origin: not applicable. Functional consequence: retained intron. Not counted in ClinVar's aggregate classification.

Dr. Peter K. Rogan Lab, Western University
No classification provided (evidence only). Condition: Acute myeloid leukemia. Review status: no classification provided. Collection method: in vitro. Allele origin: not applicable. Functional consequence: retained intron. Not counted in ClinVar's aggregate classification.

Dr. Peter K. Rogan Lab, Western University
No classification provided (evidence only). Condition: Acute myeloid leukemia. Review status: no classification provided. Collection method: in vitro. Allele origin: not applicable. Functional consequence: retained intron. Not counted in ClinVar's aggregate classification.

Dr. Peter K. Rogan Lab, Western University
No classification provided (evidence only). Condition: Acute myeloid leukemia. Review status: no classification provided. Collection method: in vitro. Allele origin: not applicable. Functional consequence: retained intron. Not counted in ClinVar's aggregate classification.

Dr. Peter K. Rogan Lab, Western University
No classification provided (evidence only). Condition: Acute myeloid leukemia. Review status: no classification provided. Collection method: in vitro. Allele origin: not applicable. Functional consequence: retained intron. Not counted in ClinVar's aggregate classification.

Dr. Peter K. Rogan Lab, Western University
No classification provided (evidence only). Condition: Sarcoma. Review status: no classification provided. Collection method: in vitro. Allele origin: not applicable. Functional consequence: retained intron. Not counted in ClinVar's aggregate classification.

Dr. Peter K. Rogan Lab, Western University
No classification provided (evidence only). Condition: Sarcoma. Review status: no classification provided. Collection method: in vitro. Allele origin: not applicable. Functional consequence: retained intron. Not counted in ClinVar's aggregate classification.

Dr. Peter K. Rogan Lab, Western University
No classification provided (evidence only). Condition: Ovarian serous cystadenocarcinoma. Review status: no classification provided. Collection method: in vitro. Allele origin: not applicable. Functional consequence: retained intron. Not counted in ClinVar's aggregate classification.

Dr. Peter K. Rogan Lab, Western University
No classification provided (evidence only). Condition: Gastric cancer. Review status: no classification provided. Collection method: in vitro. Allele origin: not applicable. Functional consequence: retained intron. Not counted in ClinVar's aggregate classification.

Dr. Peter K. Rogan Lab, Western University
No classification provided (evidence only). Condition: Gastric cancer. Review status: no classification provided. Collection method: in vitro. Allele origin: not applicable. Functional consequence: retained intron. Not counted in ClinVar's aggregate classification.

Dr. Peter K. Rogan Lab, Western University
No classification provided (evidence only). Condition: Gastric cancer. Review status: no classification provided. Collection method: in vitro. Allele origin: not applicable. Functional consequence: retained intron. Not counted in ClinVar's aggregate classification.

Dr. Peter K. Rogan Lab, Western University
No classification provided (evidence only). Condition: Gastric cancer. Review status: no classification provided. Collection method: in vitro. Allele origin: not applicable. Functional consequence: retained intron. Not counted in ClinVar's aggregate classification.

Dr. Peter K. Rogan Lab, Western University
No classification provided (evidence only). Condition: Malignant tumor of esophagus. Review status: no classification provided. Collection method: in vitro. Allele origin: not applicable. Functional consequence: retained intron. Not counted in ClinVar's aggregate classification.

Dr. Peter K. Rogan Lab, Western University
No classification provided (evidence only). Condition: Malignant tumor of esophagus. Review status: no classification provided. Collection method: in vitro. Allele origin: not applicable. Functional consequence: retained intron. Not counted in ClinVar's aggregate classification.

Dr. Peter K. Rogan Lab, Western University
No classification provided (evidence only). Condition: Malignant tumor of esophagus. Review status: no classification provided. Collection method: in vitro. Allele origin: not applicable. Functional consequence: retained intron. Not counted in ClinVar's aggregate classification.

Dr. Peter K. Rogan Lab, Western University
No classification provided (evidence only). Condition: Malignant tumor of esophagus. Review status: no classification provided. Collection method: in vitro. Allele origin: not applicable. Functional consequence: retained intron. Not counted in ClinVar's aggregate classification.

Dr. Peter K. Rogan Lab, Western University
No classification provided (evidence only). Condition: Lymphoma. Review status: no classification provided. Collection method: in vitro. Allele origin: not applicable. Functional consequence: retained intron. Not counted in ClinVar's aggregate classification.